The following is an entry in ClinVar:

NM_001370100.5(ZMYND11):c.1500G>C (p.Lys500Asn)

Genes: ZMYND11 (zinc finger MYND-type containing 11; plus strand), LOC126860802 (BRD4-independent group 4 enhancer GRCh37_chr10:294268-295467; plus strand). Cytogenetic location: 10p15.3.
Variant type: single nucleotide variant.
Coding change: c.1500G>C on transcript NM_001370100.5 (MANE Select); coding-DNA position 1500, G replaced by C.
Protein change: p.Lys500Asn; replaces lysine 500 with asparagine.
Molecular consequence: missense variant. On other transcripts: non-coding transcript variant (1).
Genome position (GRCh38, 1-based): chr10:248,608, G>C. VCF-style: chr10-248608-G-C. GRCh37 (hg19) VCF-style: chr10-294548-G-C.
Other names: c.1434G>C, p.Lys478Asn (NM_001370116.2); c.1431G>C, p.Lys477Asn (NM_001370117.2); c.1380G>C, p.Lys460Asn (NM_001370118.2); c.1353G>C, p.Lys451Asn (NM_001370119.2); c.1272G>C, p.Lys424Asn (NM_001370120.2); c.1218G>C, p.Lys406Asn (NM_001370121.2); c.1194G>C, p.Lys398Asn (NM_001370122.2); c.1143G>C, p.Lys381Asn (NM_001370123.2); and 8 more; short protein forms K343N, K381N, K398N, K406N, K415N, K424N, K445N, K446N.
Identifiers: ClinVar variation 5017675 (VCV005017675.1).

ClinVar aggregate classification (germline): Uncertain significance (1 of 4 stars; one submission).

Submission:

GeneDx
Classification: Uncertain significance. Last evaluated: 2026-03-31. Review status: criteria provided, single submitter. Criteria: GeneDx Variant Classification Process June 2021. Collection method: clinical testing. Allele origin: germline.
Comment: Not observed at significant frequency in large population cohorts (gnomAD); In silico analysis supports a deleterious effect on splicing; In silico analysis supports that this missense variant has a deleterious effect on protein structure/function; Has not been previously published as pathogenic or benign to our knowledge